The following is an entry in ClinVar:

ClinVar aggregate classification (germline): Uncertain significance (1 of 4 stars; one submission).

Conditions:
Acrocallosal syndrome (ACLS). Also called: HALLUX DUPLICATION, POSTAXIAL POLYDACTYLY, AND ABSENCE OF CORPUS CALLOSUM; Schinzel syndrome 1; Absence of corpus callosum with unusual facial appearance, mental deficiency, duplication of the halluces and polydactyly. Identifiers: Orphanet 36, MedGen C0796147, MONDO:0008708, OMIM 200990.

gnomAD v4.1: 1 of 1,614,044 alleles (0.000062%); highest among the groups gnomAD compares: Non-Finnish European, 0.000085%; no homozygotes.

Submission:

Labcorp Genetics (formerly Invitae), Labcorp
Classification: Uncertain significance for Acrocallosal syndrome. Last evaluated: 2022-06-28. Review status: criteria provided, single submitter. Criteria: Invitae Variant Classification Sherloc (09022015). Collection method: clinical testing. Allele origin: germline.
Comment: In summary, the available evidence is currently insufficient to determine the role of this variant in disease. Therefore, it has been classified as a Variant of Uncertain Significance. Algorithms developed to predict the effect of missense changes on protein structure and function (SIFT, PolyPhen-2, Align-GVGD) all suggest that this variant is likely to be disruptive. This variant has not been reported in the literature in individuals affected with KIF7-related conditions. This variant is not present in population databases (gnomAD no frequency). This sequence change replaces threonine, which is neutral and polar, with alanine, which is neutral and non-polar, at codon 1096 of the KIF7 protein (p.Thr1096Ala).

NM_198525.3(KIF7):c.3286A>G (p.Thr1096Ala)

Gene: KIF7 (kinesin family member 7; minus strand). Cytogenetic location: 15q26.1.
Variant type: single nucleotide variant.
Coding change: c.3286A>G on transcript NM_198525.3 (MANE Select); coding-DNA position 3286, A replaced by G.
Protein change: p.Thr1096Ala; replaces threonine 1096 with alanine.
Molecular consequence: missense variant.
Genome position (GRCh38, 1-based): chr15:89,630,319, T>C on the plus strand (A>G on the coding strand, the complement: KIF7 is on the minus strand). VCF-style: chr15-89630319-T-C. GRCh37 (hg19) VCF-style: chr15-90173550-T-C.
Other names: short protein forms T1096A.
Identifiers: ClinVar variation 2178411 (VCV002178411.4), dbSNP rs1567057796, ClinGen allele CA393755861.
Genomic context (GRCh38, chr15:89,630,319, plus strand): 5'-GCTGGGGGGCCATGGGCTGCTGGCCCACCTTGTCAAAATACTTGCAGAGGAGGGCTCTGG[T>C]CTCTGAGGATGAGAGGTAGCTGAGCTTGGCCATGAGGTTCATCTCGCACTGGGACAGCAA-3'
Protein context (NP_940927.2, residues 1086-1106): AKLSYLSSSE[Thr1096Ala]RALLCKYFDK